The following is an entry in ClinVar:

ClinVar aggregate classification (germline): Likely pathogenic (1 of 4 stars; one submission).

Conditions:
Spondylocostal dysostosis 2, autosomal recessive (SCDO2). Also called: MESP2-Related Spondylocostal Dysostosis, Autosomal Recessive; Spondylocostal dysostosis type 2. Identifiers: Orphanet 2311, MedGen C1837549, MONDO:0012097, OMIM 608681.

Submission:

Natera, Inc.
Classification: Likely pathogenic for Spondylocostal dysostosis type 2. Last evaluated: 2025-04-22. Review status: criteria provided, single submitter. Criteria: Natera Variant Classification Schema (03/2026). Collection method: clinical testing. Allele origin: germline.
Comment: The c.560_561insCAGGGGCAAGGACAGGGGCAAGGGCAGGGGCAAGGGCAGGGGCAAGGACAGGGGCAAGG variant in MESP2 is a frameshift variant predicted to elongate the protein beyond the termination codon. This variant is expected to result in nonsense mediated decay, truncation, or a dysfunctional protein product. This variant is rare in the general population with a frequency below the threshold expected for the associated phenotype(s). Given the available evidence, this variant is classified as Likely Pathogenic.

NM_001039958.2(MESP2):c.560_561insCAGGGGCAAGGACAGGGGCAAGGGCAGGGGCAAGGGCAGGGGCAAGGACAGGGGCAAGG (p.Gln188fs)

Gene: MESP2 (mesoderm posterior bHLH transcription factor 2; plus strand). Cytogenetic location: 15q26.1.
Variant type: Insertion.
Coding change: c.560_561insCAGGGGCAAGGACAGGGGCAAGGGCAGGGGCAAGGGCAGGGGCAAGGACAGGGGCAAGG on transcript NM_001039958.2 (MANE Select); coding-DNA positions 560 to 561, CAGGGGCAAGGACAGGGGCAAGGGCAGGGGCAAGGGCAGGGGCAAGGACAGGGGCAAGG inserted.
Protein change: p.Gln188fs; shifts the reading frame from glutamine 188.
Molecular consequence: frameshift variant.
Genome position: GRCh38: chr15:89,776,917-89,776,918. GRCh37 (hg19): chr15:90,320,148-90,320,149.
Other names: short protein forms Q188fs.
Identifiers: ClinVar variation 4814575 (VCV004814575.1).